The following is an entry in ClinVar:

ClinVar aggregate classification (germline): Uncertain significance (1 of 4 stars; one submission).

Conditions:
Hereditary cancer-predisposing syndrome. Also called: Neoplastic Syndromes, Hereditary; Tumor predisposition; Hereditary Cancer Syndrome; Hereditary neoplastic syndrome. Identifiers: Orphanet 140162, MedGen C0027672, MeSH D009386, MONDO:0015356.

Submission:

Ambry Genetics
Classification: Uncertain significance for Hereditary cancer-predisposing syndrome. Last evaluated: 2024-12-09. Review status: criteria provided, single submitter. Criteria: Ambry Variant Classification Scheme 2023. Collection method: clinical testing. Allele origin: germline.
Comment: The p.F135L variant (also known as c.405C>G), located in coding exon 3 of the POLD1 gene, results from a C to G substitution at nucleotide position 405. The phenylalanine at codon 135 is replaced by leucine, an amino acid with highly similar properties. This amino acid position is conserved. In addition, this alteration is predicted to be tolerated by in silico analysis. Based on the available evidence, the clinical significance of this variant remains unclear.

NM_002691.4(POLD1):c.405C>G (p.Phe135Leu)

Gene: POLD1 (DNA polymerase delta 1, catalytic subunit; plus strand). Cytogenetic location: 19q13.33.
Variant type: single nucleotide variant.
Coding change: c.405C>G on transcript NM_002691.4 (MANE Select); coding-DNA position 405, C replaced by G.
Protein change: p.Phe135Leu; replaces phenylalanine 135 with leucine.
Molecular consequence: missense variant. On other transcripts: non-coding transcript variant (1).
Genome position (GRCh38, 1-based): chr19:50,401,866, C>G. VCF-style: chr19-50401866-C-G. GRCh37 (hg19) VCF-style: chr19-50905123-C-G.
Other names: c.405C>G, p.Phe135Leu (NM_001256849.1, NM_001308632.1); short protein forms F135L.
Identifiers: ClinVar variation 3422021 (VCV003422021.1).